The following is an entry in ClinVar:

ClinVar aggregate classification (germline): Uncertain significance (1 of 4 stars; one submission).

Submission:

GeneDx
Classification: Uncertain significance. Last evaluated: 2025-09-21. Review status: criteria provided, single submitter. Criteria: GeneDx Variant Classification Process June 2021. Collection method: clinical testing. Allele origin: germline. Affected: yes.
Comment: Not observed at significant frequency in large population cohorts (gnomAD); Canonical splice site variant in a gene or region of a gene for which loss of function is not a well-established mechanism of disease; Has not been previously published as pathogenic or benign to our knowledge

NM_001080421.3(UNC13A):c.2356+1G>A

Gene: UNC13A (unc-13 homolog A; minus strand). Cytogenetic location: 19p13.11.
Variant type: single nucleotide variant.
Coding change: c.2356+1G>A on transcript NM_001080421.3 (MANE Select); the canonical splice donor site of the intron after coding-DNA position 2356, G replaced by A.
Molecular consequence: splice donor variant.
Genome position (GRCh38, 1-based): chr19:17,645,673, C>T on the plus strand (G>A on the coding strand, the complement: UNC13A is on the minus strand). VCF-style: chr19-17645673-C-T. GRCh37 (hg19) VCF-style: chr19-17756482-C-T.
Other names: c.2350+1G>A (NM_001387022.1, NM_001387023.1, NM_001387021.1).
Identifiers: ClinVar variation 4813912 (VCV004813912.1).